The following is an entry in ClinVar:

NM_002382.5(MAX):c.34G>C (p.Asp12His)

Genes: MAX (MYC associated transcriptional regulator X; minus strand), LOC130055850 (ATAC-STARR-seq lymphoblastoid silent region 5847; plus strand). Cytogenetic location: 14q23.3.
Variant type: single nucleotide variant.
Coding change: c.34G>C on transcript NM_002382.5 (MANE Select); coding-DNA position 34, G replaced by C.
Protein change: p.Asp12His; replaces aspartic acid 12 with histidine.
Molecular consequence: missense variant. On other transcripts: 5 prime UTR variant (2), intron variant (2).
Genome position (GRCh38, 1-based): chr14:65,102,306, C>G on the plus strand (G>C on the coding strand, the complement: MAX is on the minus strand). VCF-style: chr14-65102306-C-G. GRCh37 (hg19) VCF-style: chr14-65569024-C-G.
Other names: c.34G>C, p.Asp12His (NM_001271068.2, NM_001271069.2, NM_001407094.1 and 18 more transcripts); c.-241G>C (NM_001320415.2); c.-214G>C (NM_001407107.1); c.-305+203G>C (NM_001407112.1); c.-239+203G>C (NM_001407106.1); short protein forms D12H.
Identifiers: ClinVar variation 5023943 (VCV005023943.1).

ClinVar aggregate classification (germline): Uncertain significance (1 of 4 stars; one submission).

Conditions:
Hereditary cancer-predisposing syndrome. Also called: Neoplastic Syndromes, Hereditary; Tumor predisposition; Hereditary neoplastic syndrome; Hereditary Cancer Syndrome. Identifiers: Orphanet 140162, MedGen C0027672, MeSH D009386, MONDO:0015356.

Submission:

Ambry Genetics
Classification: Uncertain significance for Hereditary cancer-predisposing syndrome. Last evaluated: 2026-07-07. Review status: criteria provided, single submitter. Criteria: Ambry Variant Classification Scheme 2023. Collection method: clinical testing. Allele origin: germline.
Comment: The p.D12H variant (also known as c.34G>C), located in coding exon 1 of the MAX gene, results from a G to C substitution at nucleotide position 34. The aspartic acid at codon 12 is replaced by histidine, an amino acid with similar properties. This amino acid position is conserved. In addition, this alteration is predicted to be deleterious by in silico analysis. Based on the available evidence, the clinical significance of this variant remains unclear.